The following is an entry in ClinVar:

NM_001077653.2(TBX20):c.942C>G (p.Ile314Met)

Gene: TBX20 (T-box transcription factor 20; minus strand). Cytogenetic location: 7p14.2.
Variant type: single nucleotide variant.
Coding change: c.942C>G on transcript NM_001077653.2 (MANE Select); coding-DNA position 942, C replaced by G.
Protein change: p.Ile314Met; replaces isoleucine 314 with methionine.
Molecular consequence: missense variant.
Genome position (GRCh38, 1-based): chr7:35,204,531, G>C on the plus strand (C>G on the coding strand, the complement: TBX20 is on the minus strand). VCF-style: chr7-35204531-G-C. GRCh37 (hg19) VCF-style: chr7-35244143-G-C.
Other names: short protein forms I314M.
Identifiers: ClinVar variation 3232619 (VCV003232619.2), dbSNP rs2546981562, ClinGen allele CA367263563.

ClinVar aggregate classification (germline): Uncertain significance. Review status: criteria provided, multiple submitters, no conflicts (2 of 4 stars). 2 submissions from 2 submitters: Uncertain significance (2). Last evaluated 2026-03-24.

Conditions:
Cardiovascular phenotype. Identifiers: MedGen CN230736.

Submissions (2):

GeneDx
Classification: Uncertain significance. Last evaluated: 2026-03-24. Review status: criteria provided, single submitter. Criteria: GeneDx Variant Classification Process June 2021. Collection method: clinical testing. Allele origin: germline.
Comment: Has not been previously published as pathogenic or benign to our knowledge; Not observed at significant frequency in large population cohorts (gnomAD); In silico analysis suggests that this missense variant does not alter protein structure/function

Ambry Genetics
Classification: Uncertain significance for Cardiovascular phenotype. Last evaluated: 2023-10-05. Review status: criteria provided, single submitter. Criteria: Ambry Variant Classification Scheme 2023. Collection method: clinical testing. Allele origin: germline.
Comment: The p.I314M variant (also known as c.942C>G), located in coding exon 7 of the TBX20 gene, results from a C to G substitution at nucleotide position 942. The isoleucine at codon 314 is replaced by methionine, an amino acid with highly similar properties. This amino acid position is conserved. In addition, the in silico prediction for this alteration is inconclusive. Since supporting evidence is limited at this time, the clinical significance of this alteration remains unclear.